The following is an entry in ClinVar:

NM_001171613.2(PREPL):c.1546G>A (p.Glu516Lys)

Gene: PREPL (prolyl endopeptidase like; minus strand). Cytogenetic location: 2p21.
Variant type: single nucleotide variant.
Coding change: c.1546G>A on transcript NM_001171613.2 (MANE Select); coding-DNA position 1546, G replaced by A.
Protein change: p.Glu516Lys; replaces glutamic acid 516 with lysine.
Molecular consequence: missense variant.
Genome position (GRCh38, 1-based): chr2:44,323,345, C>T on the plus strand (G>A on the coding strand, the complement: PREPL is on the minus strand). VCF-style: chr2-44323345-C-T. GRCh37 (hg19) VCF-style: chr2-44550484-C-T.
Other names: c.1813G>A, p.Glu605Lys (NM_006036.4, NM_001171603.1, NM_001171606.2 and 2 more transcripts); c.1627G>A, p.Glu543Lys (NM_001042385.2); c.1615G>A, p.Glu539Lys (NM_001042386.2); c.1546G>A, p.Glu516Lys (NM_001171617.1, NM_001374277.1); short protein forms E543K, E539K, E516K, E605K.
Identifiers: ClinVar variation 953636 (VCV000953636.9), dbSNP rs1367878747, ClinGen allele CA346688862.

ClinVar aggregate classification (germline): Uncertain significance (1 of 4 stars; one submission).

Conditions:
Myasthenic syndrome, congenital, 22 (CMS22). Also called: PREPL DEFICIENCY. Identifiers: MedGen C4479088, MONDO:0044299, OMIM 616224.

Allele frequency attached by ClinVar (database versions not stated): TOPMed 0.00001; gnomAD exomes below 0.00001; gnomAD 0.00001.
gnomAD v4.1: 7 of 1,601,910 alleles (0.00044%); highest among the groups gnomAD compares: Non-Finnish European, 0.0006%; no homozygotes.

Submission:

Labcorp Genetics (formerly Invitae), Labcorp
Classification: Uncertain significance for Myasthenic syndrome, congenital, 22. Last evaluated: 2019-07-22. Review status: criteria provided, single submitter. Criteria: Invitae Variant Classification Sherloc (09022015). Collection method: clinical testing. Allele origin: germline.
Comment: This sequence change replaces glutamic acid with lysine at codon 605 of the PREPL protein (p.Glu605Lys). The glutamic acid residue is moderately conserved and there is a small physicochemical difference between glutamic acid and lysine. In summary, the available evidence is currently insufficient to determine the role of this variant in disease. Therefore, it has been classified as a Variant of Uncertain Significance. Algorithms developed to predict the effect of missense changes on protein structure and function are either unavailable or do not agree on the potential impact of this missense change (SIFT: "Deleterious"; PolyPhen-2: "Probably Damaging"; Align-GVGD: "Class C0"). This variant has not been reported in the literature in individuals with PREPL-related conditions. This variant is not present in population databases (ExAC no frequency).